The following is an entry in ClinVar:

ClinVar aggregate classification (germline): Uncertain significance (1 of 4 stars; one submission).

Submission:

GeneDx
Classification: Uncertain significance. Last evaluated: 2019-09-12. Review status: criteria provided, single submitter. Criteria: GeneDx Variant Classification Process June 2021. Collection method: clinical testing. Allele origin: germline. Affected: yes.
Comment: Not observed in large population cohorts (Lek et al., 2016); Missense variant in a gene in which most reported pathogenic variants are truncating/loss-of-function; Has not been previously published as pathogenic or benign to our knowledge

NM_001267550.2(TTN):c.33347T>C (p.Met11116Thr)

Gene: TTN (titin; minus strand). Cytogenetic location: 2q31.2.
Variant type: single nucleotide variant.
Coding change: c.33347T>C on transcript NM_001267550.2 (MANE Select); coding-DNA position 33347, T replaced by C.
Protein change: p.Met11116Thr; replaces methionine 11116 with threonine.
Molecular consequence: missense variant. On other transcripts: intron variant (3).
Genome position (GRCh38, 1-based): chr2:178,680,325, A>G on the plus strand (T>C on the coding strand, the complement: TTN is on the minus strand). VCF-style: chr2-178680325-A-G. GRCh37 (hg19) VCF-style: chr2-179545052-A-G.
Other names: c.32396T>C, p.Met10799Thr (NM_001256850.1); c.29615T>C, p.Met9872Thr (NM_133378.4); c.13283-38008T>C (NM_003319.4); c.13859-38008T>C (NM_133437.4); c.13658-38008T>C (NM_133432.3); short protein forms M10799T, M11116T, M9872T.
Identifiers: ClinVar variation 1312172 (VCV001312172.2), dbSNP rs2154270312, ClinGen allele CA349538561.